The following is an entry in ClinVar:

NM_182914.3(SYNE2):c.739A>G (p.Arg247Gly)

Gene: SYNE2 (spectrin repeat containing nuclear envelope protein 2; plus strand). Cytogenetic location: 14q23.2.
Variant type: single nucleotide variant.
Coding change: c.739A>G on transcript NM_182914.3 (MANE Select); coding-DNA position 739, A replaced by G.
Protein change: p.Arg247Gly; replaces arginine 247 with glycine.
Molecular consequence: missense variant.
Genome position (GRCh38, 1-based): chr14:63,954,867, A>G. VCF-style: chr14-63954867-A-G. GRCh37 (hg19) VCF-style: chr14-64421585-A-G.
Other names: c.739A>G, p.Arg247Gly (NM_015180.6); short protein forms R247G.
Identifiers: ClinVar variation 2119045 (VCV002119045.4), dbSNP rs2550652359, ClinGen allele CA389942894.
Genomic context (GRCh38, chr14:63,954,867, plus strand): 5'-CTAATTGACATGAAGAGTGTGAAGCATAGATCCAACAAAGACAATCTGAGAGAGGCCTTC[A>G]GAATTGCAGAACAAGAATTAAAAATCCCCAGATTGCTGGAACCAGAAGGTAAAGAAGCTT-3'
Protein context (NP_878918.2, residues 237-257): SNKDNLREAF[Arg247Gly]IAEQELKIPR

ClinVar aggregate classification (germline): Uncertain significance (1 of 4 stars; one submission).

Conditions:
Emery-Dreifuss muscular dystrophy 5, autosomal dominant (EDMD5). Also called: EMERY-DREIFUSS MUSCULAR DYSTROPHY 5. Identifiers: Orphanet 261, MedGen C2751805, MONDO:0013072, OMIM 612999.

Submission:

Labcorp Genetics (formerly Invitae), Labcorp
Classification: Uncertain significance for Emery-Dreifuss muscular dystrophy 5, autosomal dominant. Last evaluated: 2024-02-23. Review status: criteria provided, single submitter. Criteria: Invitae Variant Classification Sherloc (09022015). Collection method: clinical testing. Allele origin: germline.
Comment: This sequence change replaces arginine, which is basic and polar, with glycine, which is neutral and non-polar, at codon 247 of the SYNE2 protein (p.Arg247Gly). This variant is not present in population databases (gnomAD no frequency). This variant has not been reported in the literature in individuals affected with SYNE2-related conditions. ClinVar contains an entry for this variant (Variation ID: 2119045). Algorithms developed to predict the effect of missense changes on protein structure and function output the following: SIFT: "Not Available"; PolyPhen-2: "Benign"; Align-GVGD: "Not Available". The glycine amino acid residue is found in multiple mammalian species, which suggests that this missense change does not adversely affect protein function. In summary, the available evidence is currently insufficient to determine the role of this variant in disease. Therefore, it has been classified as a Variant of Uncertain Significance.